The following is an entry in ClinVar:

NM_003612.5(SEMA7A):c.916G>A (p.Val306Ile)

Gene: SEMA7A (semaphorin 7A (JohnMiltonHagen blood group); minus strand). Cytogenetic location: 15q24.1.
Variant type: single nucleotide variant.
Coding change: c.916G>A on transcript NM_003612.5 (MANE Select); coding-DNA position 916, G replaced by A.
Protein change: p.Val306Ile; replaces valine 306 with isoleucine.
Molecular consequence: missense variant.
Genome position (GRCh38, 1-based): chr15:74,415,871, C>T on the plus strand (G>A on the coding strand, the complement: SEMA7A is on the minus strand). VCF-style: chr15-74415871-C-T. GRCh37 (hg19) VCF-style: chr15-74708212-C-T.
Other names: c.874G>A, p.Val292Ile (NM_001146029.3); c.421G>A, p.Val141Ile (NM_001146030.3); short protein forms V306I, V141I, V292I.
Identifiers: ClinVar variation 638186 (VCV000638186.3), dbSNP rs563651407, ClinGen allele CA7657075.

ClinVar aggregate classification (germline): Likely benign (0 of 4 stars; one submission).

Conditions:
John Milton Hagen blood group system (JMH). Also called: JMH BLOOD GROUP SYSTEM; JOHN MILTON HAGEN BLOOD GROUP SYSTEM, JMH-VARIANT PHENOTYPE. Identifiers: MedGen C3553633, OMIM 614745.

Allele frequency attached by ClinVar (database versions not stated): gnomAD 0.00006 and 0.00011; TOPMed 0.00006; gnomAD exomes 0.00012 and 0.00025; 1000 Genomes Project 30x 0.00016; 1000 Genomes Project 0.00020; ExAC 0.00028.

Submission:

Genetics Department, Polish Mother's Memorial Hospital Research Institute
Classification: Likely benign for John Milton Hagen blood group system. Last evaluated: 2019-06-11. Review status: no assertion criteria provided. Collection method: research. Allele origin: germline. Affected: yes.
Comment: variant was observed with the other variant in SRA1gene ( NM_001035235.3:c.377G>A ), both observed in heterozygote status and in digenic pattern of inheritance for idiopatic hypogonadotropic hypogonadism/Kallmann syndrome